The following is an entry in ClinVar:

NM_001351132.2(PEX5):c.147+2T>G

Gene: PEX5 (peroxisomal biogenesis factor 5; plus strand). Cytogenetic location: 12p13.31.
Variant type: single nucleotide variant.
Coding change: c.147+2T>G on transcript NM_001351132.2 (MANE Select); the canonical splice donor site of the intron after coding-DNA position 147, T replaced by G.
Molecular consequence: splice donor variant. On other transcripts: missense variant (3).
Genome position (GRCh38, 1-based): chr12:7,190,526, T>G. VCF-style: chr12-7190526-T-G. GRCh37 (hg19) VCF-style: chr12-7343122-T-G.
Other names: c.149T>G, p.Val50Gly (NM_001131023.2, NM_001351135.3, NM_001351138.2); c.147+2T>G (NM_001351124.3, NM_001131026.2, NM_001351131.2 and 19 more transcripts); short protein forms V50G.
Identifiers: ClinVar variation 2874243 (VCV002874243.3), dbSNP rs2539802789, ClinGen allele CA383708354.

ClinVar aggregate classification (germline): Likely pathogenic (1 of 4 stars; one submission).

Conditions:
Peroxisome biogenesis disorder 2B (PBD2B). Identifiers: Orphanet 44, MedGen C3550234, MONDO:0008736, OMIM 202370.

Submission:

Labcorp Genetics (formerly Invitae), Labcorp
Classification: Likely pathogenic for Peroxisome biogenesis disorder 2B. Last evaluated: 2023-07-13. Review status: criteria provided, single submitter. Criteria: Invitae Variant Classification Sherloc (09022015). Collection method: clinical testing. Allele origin: germline.
Comment: In summary, the currently available evidence indicates that the variant is pathogenic, but additional data are needed to prove that conclusively. Therefore, this variant has been classified as Likely Pathogenic. Algorithms developed to predict the effect of sequence changes on RNA splicing suggest that this variant may disrupt the consensus splice site. This variant has not been reported in the literature in individuals affected with PEX5-related conditions. This variant is not present in population databases (gnomAD no frequency). This sequence change affects a donor splice site in intron 2 of the PEX5 gene. It is expected to disrupt RNA splicing. Variants that disrupt the donor or acceptor splice site typically lead to a loss of protein function (PMID: 16199547), and loss-of-function variants in PEX5 are known to be pathogenic (PMID: 18712838, 21031596).

Literature cited by the submitters: PubMed 16199547; PubMed 18712838; PubMed 21031596.